The following is an entry in ClinVar:

ClinVar aggregate classification (germline): Uncertain significance (1 of 4 stars; one submission).

Conditions:
Wilson disease (WND). Also called: Wilson's disease. Identifiers: Orphanet 905, MedGen C0019202, MONDO:0010200, OMIM 277900. Disease mechanism: loss of function.

Allele frequency attached by ClinVar (database versions not stated): gnomAD exomes below 0.00001.
gnomAD v4.1: 1 of 1,613,942 alleles (0.000062%); highest among the groups gnomAD compares: East Asian, 0.0022%; no homozygotes.

Submission:

Labcorp Genetics (formerly Invitae), Labcorp
Classification: Uncertain significance for Wilson disease. Last evaluated: 2022-09-01. Review status: criteria provided, single submitter. Criteria: Invitae Variant Classification Sherloc (09022015). Collection method: clinical testing. Allele origin: germline.
Comment: This sequence change replaces aspartic acid, which is acidic and polar, with glycine, which is neutral and non-polar, at codon 1460 of the ATP7B protein (p.Asp1460Gly). This variant is not present in population databases (gnomAD no frequency). This variant has not been reported in the literature in individuals affected with ATP7B-related conditions. ClinVar contains an entry for this variant (Variation ID: 663499). Advanced modeling of protein sequence and biophysical properties (such as structural, functional, and spatial information, amino acid conservation, physicochemical variation, residue mobility, and thermodynamic stability) performed at Invitae indicates that this missense variant is not expected to disrupt ATP7B protein function. Algorithms developed to predict the effect of sequence changes on RNA splicing suggest that this variant may create or strengthen a splice site. In summary, the available evidence is currently insufficient to determine the role of this variant in disease. Therefore, it has been classified as a Variant of Uncertain Significance.

NM_000053.4(ATP7B):c.4379A>G (p.Asp1460Gly)

Gene: ATP7B (ATPase copper transporting beta; minus strand). Cytogenetic location: 13q14.3.
Variant type: single nucleotide variant.
Coding change: c.4379A>G on transcript NM_000053.4 (MANE Select); coding-DNA position 4379, A replaced by G.
Protein change: p.Asp1460Gly; replaces aspartic acid 1460 with glycine.
Molecular consequence: missense variant.
Genome position (GRCh38, 1-based): chr13:51,934,775, T>C on the plus strand (A>G on the coding strand, the complement: ATP7B is on the minus strand). VCF-style: chr13-51934775-T-C. GRCh37 (hg19) VCF-style: chr13-52508911-T-C.
Other names: c.3758A>G, p.Asp1253Gly (NM_001005918.3); c.4046A>G, p.Asp1349Gly (NM_001243182.2); c.4145A>G, p.Asp1382Gly (NM_001330578.2); c.4127A>G, p.Asp1376Gly (NM_001330579.2); short protein forms D1253G, D1376G, D1460G, D1349G, D1382G.
Identifiers: ClinVar variation 663499 (VCV000663499.6), dbSNP rs1593633844, ClinGen allele CA388018678.
Genomic context (GRCh38, chr13:51,934,775, plus strand): 5'-GTGGAGGCAAGTCCCTGCCCCGGCCCGCCTGCCTGAAGTCATCAGATGTACTGCTCCTCA[T>C]CCCTGCCATTCAGGAGCAGAGACCACTTGTCCCCATCATCGTCTGCTGCAGCGCTGTGCC-3'
Protein context (NP_000044.2, residues 1450-1465): DKWSLLLNGR[Asp1460Gly]EEQYI